The following is an entry in ClinVar:

NM_001005373.4(LRSAM1):c.1094G>A (p.Arg365Lys)

Gene: LRSAM1 (leucine rich repeat and sterile alpha motif containing 1; plus strand). Cytogenetic location: 9q33.3.
Variant type: single nucleotide variant.
Coding change: c.1094G>A on transcript NM_001005373.4 (MANE Select); coding-DNA position 1094, G replaced by A.
Protein change: p.Arg365Lys; replaces arginine 365 with lysine.
Molecular consequence: missense variant. On other transcripts: non-coding transcript variant (2).
Genome position (GRCh38, 1-based): chr9:127,482,955, G>A. VCF-style: chr9-127482955-G-A. GRCh37 (hg19) VCF-style: chr9-130245234-G-A.
Other names: c.1094G>A (NM_138361.4); c.1094G>A, p.Arg365Lys (NM_001005374.4, NM_001190723.3, NM_001384142.1 and 2 more transcripts); c.305G>A, p.Arg102Lys (NM_001384144.1); short protein forms R102K, R365K.
Identifiers: ClinVar variation 1050236 (VCV001050236.7), dbSNP rs1381062773, ClinGen allele CA374931980.

ClinVar aggregate classification (germline): Uncertain significance. Review status: criteria provided, multiple submitters, no conflicts (2 of 4 stars). 3 submissions from 3 submitters: Uncertain significance (2). 1 of the submissions does not count toward it. Last evaluated 2025-05-04.

Conditions:
Charcot-Marie-Tooth disease axonal type 2P. Also called: Charcot-Marie-Tooth Neuropathy Type 2G; CHARCOT-MARIE-TOOTH NEUROPATHY, TYPE 2P; CHARCOT-MARIE-TOOTH DISEASE, AXONAL, TYPE 2G; CMT 2G. Identifiers: Orphanet 300319, Orphanet 99941, MedGen C3280797, MONDO:0013753, OMIM 614436.
Inborn genetic diseases. Identifiers: MedGen C0950123, MeSH D030342.

Allele frequency attached by ClinVar (database versions not stated): gnomAD exomes below 0.00001 and 0.00001; TOPMed 0.00001.
gnomAD v4.1: 1 of 1,557,392 alleles (0.000064%); highest among the groups gnomAD compares: Non-Finnish European, 0.000087%; no homozygotes.

Submissions (3):

Ambry Genetics
Classification: Uncertain significance for Inborn genetic diseases. Last evaluated: 2025-05-04. Review status: criteria provided, single submitter. Criteria: Ambry Variant Classification Scheme 2023. Collection method: clinical testing. Allele origin: germline.

Labcorp Genetics (formerly Invitae), Labcorp
Classification: Uncertain significance for Charcot-Marie-Tooth disease axonal type 2P. Last evaluated: 2024-06-24. Review status: criteria provided, single submitter. Criteria: Invitae Variant Classification Sherloc (09022015). Collection method: clinical testing. Allele origin: germline.
Comment: This sequence change replaces arginine, which is basic and polar, with lysine, which is basic and polar, at codon 365 of the LRSAM1 protein (p.Arg365Lys). This variant is present in population databases (no rsID available, gnomAD 0.002%). This variant has not been reported in the literature in individuals affected with LRSAM1-related conditions. ClinVar contains an entry for this variant (Variation ID: 1050236). Advanced modeling of protein sequence and biophysical properties (such as structural, functional, and spatial information, amino acid conservation, physicochemical variation, residue mobility, and thermodynamic stability) performed at Invitae indicates that this missense variant is not expected to disrupt LRSAM1 protein function with a negative predictive value of 80%. In summary, the available evidence is currently insufficient to determine the role of this variant in disease. Therefore, it has been classified as a Variant of Uncertain Significance.

Department of Pathology and Laboratory Medicine, Sinai Health System
Classification: Uncertain significance. Review status: no assertion criteria provided. Collection method: clinical testing. Allele origin: unknown. Affected: yes. Study: The Canadian Open Genetics Repository (COGR). Not counted in ClinVar's aggregate classification.
Comment: The LRSAM1 p.Arg365Lys variant was not identified in the literature nor was it identified in ClinVar or LOVD 3.0. The variant was identified in dbSNP (ID: rs1381062773) and in control databases in 1 of 163958 chromosomes at a frequency of 0.000006099 (Genome Aggregation Database March 6, 2019, v2.1.1). The variant was observed in the European (non-Finnish) population in 1 of 65428 chromosomes (freq: 0.000015), but was not observed in the African, Latino, Ashkenazi Jewish, East Asian, European (Finnish), Other, or South Asian populations. The p.Arg365 residue is not conserved in mammals and four out of five computational analyses (PolyPhen-2, SIFT, AlignGVGD, BLOSUM, MutationTaster) do not suggest a high likelihood of impact to the protein; however, this information is not predictive enough to rule out pathogenicity. The variant occurs outside of the splicing consensus sequence and in silico or computational prediction software programs (SpliceSiteFinder, MaxEntScan, NNSPLICE, GeneSplicer) do not predict a difference in splicing. In summary, based on the above information the clinical significance of this variant cannot be determined with certainty at this time. This variant is classified as a variant of uncertain significance.